The following is an entry in ClinVar:

ClinVar aggregate classification (germline): Uncertain significance (1 of 4 stars; one submission).

Conditions:
Pheochromocytoma. Also called: MAX-Related Hereditary Paraganglioma-Pheochromocytoma Syndrome. Identifiers: Orphanet 29072, MedGen C0031511, MONDO:0008233, OMIM 171300, HP:0002666.
Gastrointestinal stromal tumor. Also called: Gastrointestinal stromal tumor, somatic; Gastrointestinal stroma tumor. Identifiers: Orphanet 44890, MedGen C0238198, MeSH D046152, MONDO:0011719, OMIM 606764, HP:0100723.
Pheochromocytoma/paraganglioma syndrome 4. Also called: CAROTID BODY TUMORS AND MULTIPLE EXTRAADRENAL PHEOCHROMOCYTOMAS; PARAGANGLIOMA, FAMILIAL MALIGNANT; PARAGANGLIOMAS, HEREDITARY EXTRAADRENAL; PHEOCHROMOCYTOMA, FAMILIAL EXTRAADRENAL; Paragangliomas 4; SDHB-Related Hereditary Paraganglioma-Pheochromocytoma Syndrome (Paragangliomas 4). Identifiers: Orphanet 29072, MedGen C1861848, MONDO:0007273, OMIM 115310.

Allele frequency attached by ClinVar (database versions not stated): TOPMed below 0.00001.

Submission:

Labcorp Genetics (formerly Invitae), Labcorp
Classification: Uncertain significance for Gastrointestinal stromal tumor; Pheochromocytoma/paraganglioma syndrome 4; Pheochromocytoma. Last evaluated: 2023-06-06. Review status: criteria provided, single submitter. Criteria: Invitae Variant Classification Sherloc (09022015). Collection method: clinical testing. Allele origin: germline.
Comment: In summary, the available evidence is currently insufficient to determine the role of this variant in disease. Therefore, it has been classified as a Variant of Uncertain Significance. An algorithm developed to predict the effect of missense changes on protein structure and function (PolyPhen-2) suggests that this variant is likely to be disruptive. This variant has not been reported in the literature in individuals affected with SDHB-related conditions. This variant is not present in population databases (gnomAD no frequency). This sequence change replaces aspartic acid, which is acidic and polar, with asparagine, which is neutral and polar, at codon 142 of the SDHB protein (p.Asp142Asn).

NM_003000.3(SDHB):c.424G>A (p.Asp142Asn)

Gene: SDHB (succinate dehydrogenase complex iron sulfur subunit B; minus strand). Cytogenetic location: 1p36.13.
Variant type: single nucleotide variant.
Coding change: c.424G>A on transcript NM_003000.3 (MANE Select); coding-DNA position 424, G replaced by A.
Protein change: p.Asp142Asn; replaces aspartic acid 142 with asparagine.
Molecular consequence: missense variant.
Genome position (GRCh38, 1-based): chr1:17,027,865, C>T on the plus strand (G>A on the coding strand, the complement: SDHB is on the minus strand). VCF-style: chr1-17027865-C-T. GRCh37 (hg19) VCF-style: chr1-17354360-C-T.
Other names: c.370G>A, p.Asp124Asn (NM_001407361.1); short protein forms D124N, D142N.
Identifiers: ClinVar variation 2927269 (VCV002927269.3), dbSNP rs2078000272, ClinGen allele CA338273520.